The following is an entry in ClinVar:

ClinVar aggregate classification (germline): Uncertain significance. Review status: criteria provided, multiple submitters, no conflicts (2 of 4 stars). 4 submissions from 4 submitters: Uncertain significance (4). Last evaluated 2025-06-11.

Conditions:
Catecholaminergic polymorphic ventricular tachycardia 1. Also called: VENTRICULAR TACHYCARDIA, STRESS-INDUCED POLYMORPHIC 1; RYR2-Related Catecholaminergic Polymorphic Ventricular Tachycardia; VENTRICULAR TACHYCARDIA, CATECHOLAMINERGIC POLYMORPHIC, 1, WITH OR WITHOUT ATRIAL DYSFUNCTION AND/OR DILATED CARDIOMYOPATHY. Identifiers: Orphanet 3286, MedGen C1631597, MONDO:0011484, OMIM 604772.
Cardiovascular phenotype. Identifiers: MedGen CN230736.
Catecholaminergic polymorphic ventricular tachycardia 5 (CARDAR). Also called: Ventricular tachycardia, catecholaminergic polymorphic, 5, with or without muscle weakness; CARDIAC ARRHYTHMIA SYNDROME, WITH OR WITHOUT SKELETAL MUSCLE WEAKNESS. Identifiers: Orphanet 3286, MedGen C3809536, MONDO:0014191, OMIM 615441.

Allele frequency attached by ClinVar (database versions not stated): TOPMed 0.00001; ExAC 0.00002; gnomAD 0.00002 and 0.00003; gnomAD exomes 0.00002 and 0.00003.
gnomAD v4.1: 42 of 1,565,760 alleles (0.0027%); highest among the groups gnomAD compares: Admixed American, 0.0056%; no homozygotes.

Submissions (4):

Labcorp Genetics (formerly Invitae), Labcorp
Classification: Uncertain significance for Catecholaminergic polymorphic ventricular tachycardia 1. Last evaluated: 2025-06-11. Review status: criteria provided, single submitter. Criteria: Invitae Variant Classification Sherloc (09022015). Collection method: clinical testing. Allele origin: germline.
Comment: This sequence change replaces aspartic acid, which is acidic and polar, with asparagine, which is neutral and polar, at codon 595 of the TRDN protein (p.Asp595Asn). This variant also falls at the last nucleotide of exon 32, which is part of the consensus splice site for this exon. This variant is present in population databases (rs771170294, gnomAD 0.01%). This variant has not been reported in the literature in individuals affected with TRDN-related conditions. ClinVar contains an entry for this variant (Variation ID: 532385). An algorithm developed to predict the effect of missense changes on protein structure and function (PolyPhen-2) suggests that this variant is likely to be disruptive. Variants that disrupt the consensus splice site are a relatively common cause of aberrant splicing (PMID: 17576681, 9536098). Algorithms developed to predict the effect of sequence changes on RNA splicing suggest that this variant may disrupt the consensus splice site. In summary, the available evidence is currently insufficient to determine the role of this variant in disease. Therefore, it has been classified as a Variant of Uncertain Significance.

Blueprint Genetics
Classification: Uncertain significance. Last evaluated: 2024-09-20. Review status: criteria provided, single submitter. Criteria: ACMG Guidelines, 2015. Collection method: clinical testing. Allele origin: germline.

Ambry Genetics
Classification: Uncertain significance for Cardiovascular phenotype. Last evaluated: 2023-12-13. Review status: criteria provided, single submitter. Criteria: Ambry Variant Classification Scheme 2023. Collection method: clinical testing. Allele origin: germline.
Comment: The c.1783G>A variant (also known as p.D595N), located in coding exon 32 of the TRDN gene, results from a G to A substitution at nucleotide position 1783. The amino acid change results in aspartic acid to asparagine at codon 595, an amino acid with highly similar properties. However, this change occurs in the last base pair of coding exon 32, which makes it likely to have some effect on normal mRNA splicing. This nucleotide position is highly conserved in available vertebrate species. This amino acid position is well conserved in available vertebrate species. In silico splice site analysis predicts that this alteration will weaken the native splice donor site. In addition, as a missense substitution, this is predicted to be tolerated by in silico analysis. This alteration does not impact the predominant cardiac isoform of TRDN (NM_001256021.1; Kobayashi YM et al. J. Biol. Chem., 1999 Oct;274:28660-8). Since supporting evidence is limited at this time, the clinical significance of this alteration remains unclear.

Fulgent Genetics
Classification: Uncertain significance for Catecholaminergic polymorphic ventricular tachycardia 1; Catecholaminergic polymorphic ventricular tachycardia 5. Last evaluated: 2021-09-10. Review status: criteria provided, single submitter. Criteria: ACMG Guidelines, 2015. Collection method: clinical testing. Allele origin: unknown.

Literature cited by the submitters: PubMed 17576681 (cited by Labcorp Genetics (formerly Invitae), Labcorp); PubMed 9536098 (cited by Labcorp Genetics (formerly Invitae), Labcorp).

NM_006073.4(TRDN):c.1783G>A (p.Asp595Asn)

Gene: TRDN (triadin; minus strand). Cytogenetic location: 6q22.31.
Variant type: single nucleotide variant.
Coding change: c.1783G>A on transcript NM_006073.4 (MANE Select); coding-DNA position 1783, G replaced by A.
Protein change: p.Asp595Asn; replaces aspartic acid 595 with asparagine.
Molecular consequence: missense variant.
Genome position (GRCh38, 1-based): chr6:123,267,707, C>T on the plus strand (G>A on the coding strand, the complement: TRDN is on the minus strand). VCF-style: chr6-123267707-C-T. GRCh37 (hg19) VCF-style: chr6-123588852-C-T.
Other names: short protein forms D595N.
Identifiers: ClinVar variation 532385 (VCV000532385.12), dbSNP rs771170294, ClinGen allele CA3983763.
Genomic context (GRCh38, chr6:123,267,707, plus strand): 5'-TTTGAATATAATAAAAATAGTGAACATAAGACAGAATATAAACCAAAAATGGTAAAATAC[C>T]TGTTTTTATAGATGGAGGTTCTCTTTCTCGATGTTCAGCTTTTTCTAGAGAAAGAAATCA-3'
Protein context (NP_006064.2, residues 585-605): REREPPSIKT[Asp595Asn]KPKPTPKGTS